The following is an entry in ClinVar:

ClinVar aggregate classification (germline): Uncertain significance (1 of 4 stars; one submission).

Conditions:
Deafness-lymphedema-leukemia syndrome. Also called: Lymphedema, primary, with myelodysplasia; Emberger syndrome. Identifiers: Orphanet 3226, MedGen C3279664, MONDO:0013540, OMIM 614038.
Monocytopenia with susceptibility to infections. Also called: MONOCYTOPENIA AND MYCOBACTERIAL INFECTION SYNDROME; MONOCYTOPENIA WITH SUSCEPTIBILITY TO MYCOBACTERIAL, FUNGAL, AND PAPILLOMAVIRUS INFECTIONS AND MYELODYSPLASIA; COMBINED IMMUNODEFICIENCY WITH SUSCEPTIBILITY TO MYCOBACTERIAL, VIRAL, AND FUNGAL INFECTIONS; Dendritic cell, monocyte, B lymphocyte, and natural killer lymphocyte deficiency; IMMUNODEFICIENCY 21; GATA2 DEFICIENCY. Identifiers: Orphanet 228423, MedGen C3280030, MONDO:0013607, OMIM 614172.

Submission:

Labcorp Genetics (formerly Invitae), Labcorp
Classification: Uncertain significance for Monocytopenia with susceptibility to infections; Deafness-lymphedema-leukemia syndrome. Last evaluated: 2023-11-03. Review status: criteria provided, single submitter. Criteria: Invitae Variant Classification Sherloc (09022015). Collection method: clinical testing. Allele origin: germline.
Comment: This sequence change replaces proline, which is neutral and non-polar, with arginine, which is basic and polar, at codon 178 of the GATA2 protein (p.Pro178Arg). This variant is not present in population databases (gnomAD no frequency). This variant has not been reported in the literature in individuals affected with GATA2-related conditions. Advanced modeling of protein sequence and biophysical properties (such as structural, functional, and spatial information, amino acid conservation, physicochemical variation, residue mobility, and thermodynamic stability) has been performed at Invitae for this missense variant, however the output from this modeling did not meet the statistical confidence thresholds required to predict the impact of this variant on GATA2 protein function. In summary, the available evidence is currently insufficient to determine the role of this variant in disease. Therefore, it has been classified as a Variant of Uncertain Significance.

NM_032638.5(GATA2):c.533C>G (p.Pro178Arg)

Gene: GATA2 (GATA binding protein 2; minus strand). Cytogenetic location: 3q21.3.
Variant type: single nucleotide variant.
Coding change: c.533C>G on transcript NM_032638.5 (MANE Select); coding-DNA position 533, C replaced by G.
Protein change: p.Pro178Arg; replaces proline 178 with arginine.
Molecular consequence: missense variant.
Genome position (GRCh38, 1-based): chr3:128,486,065, G>C on the plus strand (C>G on the coding strand, the complement: GATA2 is on the minus strand). VCF-style: chr3-128486065-G-C. GRCh37 (hg19) VCF-style: chr3-128204908-G-C.
Other names: c.533C>G, p.Pro178Arg (NM_001145661.2, NM_001145662.1); short protein forms P178R.
Identifiers: ClinVar variation 2947992 (VCV002947992.3), dbSNP rs2068693389, ClinGen allele CA354406570.
Genomic context (GRCh38, chr3:128,486,065, plus strand): 5'-GCGGAAGATGAGGCTGGAGACGCAGCCCCCGTGGTGCTAGGGTCAGGAGACACTTCTTTG[G>C]GTGGCGTGGGTGGGAAGCCGAAAAGGTGGGAGCCAGAGTGGGCTGCTGTAGGGGTGAGGG-3'
Protein context (NP_116027.2, residues 168-188): SHLFGFPPTP[Pro178Arg]KEVSPDPSTT